The following is an entry in ClinVar:

ClinVar aggregate classification (germline): Benign/Likely benign. Review status: criteria provided, multiple submitters, no conflicts (2 of 4 stars). 15 submissions from 15 submitters: Benign (5); Likely benign (6). 4 of the submissions do not count toward it. Last evaluated 2026-09-01.

Conditions:
Familial thoracic aortic aneurysm and aortic dissection (TAAD). Also called: Thoracic aortic aneurysms and dissections. Identifiers: Orphanet 91387, MedGen C4707243, MONDO:0019625.
Aortic aneurysm, familial thoracic 4 (AAT4). Also called: AORTIC ANEURYSM/AORTIC DISSECTION AND PATENT DUCTUS ARTERIOSUS. Identifiers: MedGen C1851504, MONDO:0007568, OMIM 132900.

Allele frequency attached by ClinVar (database versions not stated): TOPMed 0.00334; ESP Exome Variant Server 0.00339; 1000 Genomes Project 0.00439.
gnomAD v4.1: 2,635 of 1,605,908 alleles (0.16%); highest among the groups gnomAD compares: African/African-American, 0.84%; 4 homozygotes.

Submissions (15):

CeGaT Center for Human Genetics Tuebingen
Classification: Likely benign. Last evaluated: 2026-09-01. Review status: criteria provided, single submitter. Criteria: CeGaT Center For Human Genetics Tuebingen Variant Classification Criteria Version 2. Collection method: clinical testing. Allele origin: germline. Affected: yes. Observed: 9 variant alleles.
Comment: MYH11: BP4, BS2; NDE1: BS2

Labcorp Genetics (formerly Invitae), Labcorp
Classification: Benign for Aortic aneurysm, familial thoracic 4. Last evaluated: 2026-02-04. Review status: criteria provided, single submitter. Criteria: Invitae Variant Classification Sherloc (09022015). Collection method: clinical testing. Allele origin: germline.

ARUP Laboratories, Molecular Genetics and Genomics, ARUP Laboratories
Classification: Likely benign. Last evaluated: 2025-07-21. Review status: criteria provided, single submitter. Criteria: ARUP Molecular Germline Variant Investigation Process 2024. Collection method: clinical testing. Allele origin: germline.

Molecular Diagnostic Laboratory for Inherited Cardiovascular Disease, Montreal Heart Institute
Classification: Likely benign. Last evaluated: 2025-04-09. Review status: criteria provided, single submitter. Criteria: ACMG Guidelines, 2015. Collection method: clinical testing. Allele origin: germline. Affected: no.
Comment: BS1;BP4

Blueprint Genetics
Classification: Likely benign. Last evaluated: 2024-11-23. Review status: criteria provided, single submitter. Criteria: ACMG Guidelines, 2015. Collection method: clinical testing. Allele origin: germline.

CHEO Genetics Diagnostic Laboratory, Children's Hospital of Eastern Ontario
Classification: Benign for Familial thoracic aortic aneurysm and aortic dissection. Last evaluated: 2019-05-10. Review status: criteria provided, single submitter. Criteria: ACMG Guidelines, 2015. Collection method: clinical testing. Allele origin: germline. Study: Canadian Open Genetics Repository.

Women's Health and Genetics/Laboratory Corporation of America, LabCorp
Classification: Benign. Last evaluated: 2018-12-11. Review status: criteria provided, single submitter. Criteria: LabCorp Variant Classification Summary - May 2015. Collection method: clinical testing. Allele origin: germline.
Comment: Variant summary: MYH11 c.5819C>A (p.Pro1940Gln) results in a non-conservative amino acid change in the encoded protein sequence. Four of five in-silico tools predict a benign effect of the variant on protein function. The variant allele was found at a frequency of 0.0015 in 259712 control chromosomes in the gnomAD database, including 1 homozygote. The observed variant frequency is approximately 1229-folds higher than the estimated maximal expected allele frequency for a pathogenic variant in MYH11 causing Aortopathy phenotype (1.3e-06), strongly suggesting that the variant is benign. Yeung_2017 reports the variant in one patient with aortic aneurysm (AA) and following an evaluation of the effect of the variant on RNA splicing concluded that transcripts containing exon 42 are not expressed in smooth muscle cell (SMC)-like cells or primary SMC and therefore, the variant c.5819C>A in MYH11 is not pathogenic and variants in exon 42 are not relevant for familial thoracic AA. Three ClinVar submissions from clinical diagnostic laboratories (evaluation after 2014) cite the variant twice as benign and once as uncertain significance. Based on the evidence outlined above, the variant was classified as benign.

Color Diagnostics, LLC DBA Color Health
Classification: Likely benign for Familial thoracic aortic aneurysm and aortic dissection. Last evaluated: 2018-03-07. Review status: criteria provided, single submitter. Criteria: ACMG Guidelines, 2015. Collection method: clinical testing. Allele origin: germline.

GeneDx
Classification: Benign. Last evaluated: 2015-06-25. Review status: criteria provided, single submitter. Criteria: GeneDx Variant Classification (06012015). Collection method: clinical testing. Allele origin: germline. Affected: yes.
Comment: This variant is considered likely benign or benign based on one or more of the following criteria: it is a conservative change, it occurs at a poorly conserved position in the protein, it is predicted to be benign by multiple in silico algorithms, and/or has population frequency not consistent with disease.

Breakthrough Genomics
Classification: Likely benign. Review status: criteria provided, single submitter. Criteria: ACMG Guidelines, 2015. Collection method: not provided. Allele origin: germline. Inheritance: Autosomal recessive inheritance. Affected: yes.

PreventionGenetics, part of Exact Sciences
Classification: Benign. Review status: criteria provided, single submitter. Criteria: ACMG Guidelines, 2015. Collection method: clinical testing. Allele origin: germline.

Knight Diagnostic Laboratories, Oregon Health and Sciences University
Classification: Uncertain significance for Aortic aneurysm, familial thoracic 4. Last evaluated: 2016-03-30. Review status: no assertion criteria provided. Criteria: ACMG Guidelines, 2015. Collection method: clinical testing. Allele origin: germline. Affected: no. Study: CSER-NextGen. Not counted in ClinVar's aggregate classification.

Clinical Genetics DNA and cytogenetics Diagnostics Lab, Erasmus MC, Erasmus Medical Center
Classification: Likely benign. Review status: no assertion criteria provided. Collection method: clinical testing. Allele origin: germline. Affected: yes. Study: VKGL Data-share Consensus. Not counted in ClinVar's aggregate classification.

Genome Diagnostics Laboratory, Amsterdam University Medical Center
Classification: Likely benign. Review status: no assertion criteria provided. Collection method: clinical testing. Allele origin: germline. Affected: yes. Study: VKGL Data-share Consensus. Not counted in ClinVar's aggregate classification.

Genome Diagnostics Laboratory, University Medical Center Utrecht
Classification: Benign. Review status: no assertion criteria provided. Collection method: clinical testing. Allele origin: germline. Affected: yes. Study: VKGL Data-share Consensus. Not counted in ClinVar's aggregate classification.

Literature cited by the submitters: PubMed 28074631 (cited by Women's Health and Genetics/Laboratory Corporation of America, LabCorp).

NM_001040113.2(MYH11):c.5819C>A (p.Pro1940Gln)

Genes: MYH11 (myosin heavy chain 11; minus strand), NDE1 (nudE neurodevelopment protein 1; plus strand). Cytogenetic location: 16p13.11.
Variant type: single nucleotide variant.
Coding change: c.5819C>A on transcript NM_001040113.2 (MANE Plus Clinical); coding-DNA position 5819, C replaced by A.
Protein change: p.Pro1940Gln; replaces proline 1940 with glutamine.
Molecular consequence: missense variant. On other transcripts: intron variant (4).
Genome position (GRCh38, 1-based): chr16:15,708,830, G>T on the plus strand (C>A on the coding strand, the complement: MYH11 is on the minus strand). VCF-style: chr16-15708830-G-T. GRCh37 (hg19) VCF-style: chr16-15802687-G-T.
Other names: p.P1933Q:CCA>CAA; c.5798C>A, p.Pro1933Gln (NM_022844.3); c.947+11970G>T (NM_001143979.2, NM_017668.3); c.5787-4707C>A (NM_002474.3); c.5808-4707C>A (NM_001040114.2); short protein forms P1933Q, P1940Q.
Identifiers: ClinVar variation 201041 (VCV000201041.55), dbSNP rs111588143, ClinGen allele CA306474.